The following is an entry in ClinVar:

NM_001136191.3(KANK2):c.509G>C (p.Arg170Pro)

Gene: KANK2 (KN motif and ankyrin repeat domains 2; minus strand). Cytogenetic location: 19p13.2.
Variant type: single nucleotide variant.
Coding change: c.509G>C on transcript NM_001136191.3 (MANE Select); coding-DNA position 509, G replaced by C.
Protein change: p.Arg170Pro; replaces arginine 170 with proline.
Molecular consequence: missense variant.
Genome position (GRCh38, 1-based): chr19:11,193,571, C>G on the plus strand (G>C on the coding strand, the complement: KANK2 is on the minus strand). VCF-style: chr19-11193571-C-G. GRCh37 (hg19) VCF-style: chr19-11304247-C-G.
Other names: c.509G>C, p.Arg170Pro (NM_001329451.2, NM_001379548.1, NM_001379549.1 and 15 more transcripts); short protein forms R170P.
Identifiers: ClinVar variation 1924220 (VCV001924220.5), dbSNP rs772917408, ClinGen allele CA404089503.

ClinVar aggregate classification (germline): Uncertain significance (1 of 4 stars; one submission).

gnomAD v4.1: 2 of 1,591,254 alleles (0.00013%); highest among the groups gnomAD compares: Admixed American, 0.0034%; no homozygotes.

Submission:

Labcorp Genetics (formerly Invitae), Labcorp
Classification: Uncertain significance. Last evaluated: 2023-01-19. Review status: criteria provided, single submitter. Criteria: Invitae Variant Classification Sherloc (09022015). Collection method: clinical testing. Allele origin: germline.
Comment: This sequence change replaces arginine, which is basic and polar, with proline, which is neutral and non-polar, at codon 170 of the KANK2 protein (p.Arg170Pro). This variant is not present in population databases (gnomAD no frequency). This variant has not been reported in the literature in individuals affected with KANK2-related conditions. Algorithms developed to predict the effect of missense changes on protein structure and function are either unavailable or do not agree on the potential impact of this missense change (SIFT: "Tolerated"; PolyPhen-2: "Possibly Damaging"; Align-GVGD: "Class C0"). In summary, the available evidence is currently insufficient to determine the role of this variant in disease. Therefore, it has been classified as a Variant of Uncertain Significance.